The following is an entry in ClinVar:

ClinVar aggregate classification (germline): Uncertain significance (1 of 4 stars; one submission).

Allele frequency attached by ClinVar (database versions not stated): gnomAD exomes below 0.00001.
gnomAD v4.1: 1 of 1,394,692 alleles (0.000072%); highest among the groups gnomAD compares: Non-Finnish European, 0.000093%; no homozygotes.

Submission:

CeGaT Center for Human Genetics Tuebingen
Classification: Uncertain significance. Last evaluated: 2023-09-01. Review status: criteria provided, single submitter. Criteria: CeGaT Center For Human Genetics Tuebingen Variant Classification Criteria Version 2. Collection method: clinical testing. Allele origin: germline. Affected: yes. Observed: 1 variant allele.
Comment: ARID1B: PM2

NM_001374828.1(ARID1B):c.1205G>A (p.Gly402Asp)

Gene: ARID1B (AT-rich interaction domain 1B; plus strand). Cytogenetic location: 6q25.3.
Variant type: single nucleotide variant.
Coding change: c.1205G>A on transcript NM_001374828.1 (MANE Select); coding-DNA position 1205, G replaced by A.
Protein change: p.Gly402Asp; replaces glycine 402 with aspartic acid.
Molecular consequence: missense variant.
Genome position (GRCh38, 1-based): chr6:156,778,885, G>A. VCF-style: chr6-156778885-G-A. GRCh37 (hg19) VCF-style: chr6-157100019-G-A.
Other names: c.956G>A, p.Gly319Asp (NM_001346813.1, NM_020732.3); c.1205G>A, p.Gly402Asp (NM_001371656.1, NM_001374820.1, NM_017519.3); c.782G>A, p.Gly261Asp (NM_175863.2); short protein forms G261D, G319D, G402D.
Identifiers: ClinVar variation 2657055 (VCV002657055.24), dbSNP rs2546834539, ClinGen allele CA366383502.
Genomic context (GRCh38, chr6:156,778,885, plus strand): 5'-CGGGCTACAGCCGGCCCGGCGCGGGCGGCGGCGGCGGCGGCGGCGGCGGAGGAGGAGGAG[G>A]CAGCGGAGGAGGAGGAGGAGGAGGAGGAGCAGGAGCAGGAGGAGCAGGAGCGGGAGCTGT-3'
Protein context (NP_001361757.1, residues 392-412): GGGGGGGGGG[Gly402Asp]SGGGGGGGGA